The following is an entry in ClinVar:

ClinVar aggregate classification (germline): Uncertain significance (1 of 4 stars; one submission).

Conditions:
Infantile-onset X-linked spinal muscular atrophy. Also called: SPINAL MUSCULAR ATROPHY, X-LINKED LETHAL INFANTILE; AMC, DISTAL, X-LINKED; ARTHROGRYPOSIS, X-LINKED, TYPE I; Spinal muscular atrophy, X-linked 2; Spinal Muscular Atrophy, X-Linked Infantile. Identifiers: Orphanet 1145, MedGen C1844934, MONDO:0010532, OMIM 301830.

Allele frequency attached by ClinVar (database versions not stated): gnomAD exomes 0.00001.
gnomAD v4.1: 8 of 1,203,440 alleles (0.00066%); highest among the groups gnomAD compares: Non-Finnish European, 0.0009%; no homozygotes.

Submission:

Labcorp Genetics (formerly Invitae), Labcorp
Classification: Uncertain significance for Infantile-onset X-linked spinal muscular atrophy. Last evaluated: 2018-09-27. Review status: criteria provided, single submitter. Criteria: Invitae Variant Classification Sherloc (09022015). Collection method: clinical testing. Allele origin: germline.
Comment: In summary, the available evidence is currently insufficient to determine the role of this variant in disease. Therefore, it has been classified as a Variant of Uncertain Significance. This sequence change replaces asparagine with serine at codon 577 of the UBA1 protein (p.Asn577Ser). The asparagine residue is highly conserved and there is a small physicochemical difference between asparagine and serine. This variant is not present in population databases (ExAC no frequency). This variant has not been reported in the literature in individuals with UBA1-related disease. Algorithms developed to predict the effect of missense changes on protein structure and function are either unavailable or do not agree on the potential impact of this missense change (SIFT: "Deleterious"; PolyPhen-2: "Possibly Damaging"; Align-GVGD: "Class C0"). Algorithms developed to predict the effect of sequence changes on RNA splicing suggest that this variant may create or strengthen a splice site, but this prediction has not been confirmed by published transcriptional studies.

NM_003334.4(UBA1):c.1730A>G (p.Asn577Ser)

Gene: UBA1 (ubiquitin like modifier activating enzyme 1; plus strand). Cytogenetic location: Xp11.3.
Variant type: single nucleotide variant.
Coding change: c.1730A>G on transcript NM_003334.4 (MANE Select); coding-DNA position 1730, A replaced by G.
Protein change: p.Asn577Ser; replaces asparagine 577 with serine.
Molecular consequence: missense variant.
Genome position (GRCh38, 1-based): chrX:47,206,102, A>G. VCF-style: chrX-47206102-A-G. GRCh37 (hg19) VCF-style: chrX-47065501-A-G.
Other names: c.1730A>G, p.Asn577Ser (NM_153280.3); short protein forms N577S.
Identifiers: ClinVar variation 661573 (VCV000661573.8), dbSNP rs1556790852, ClinGen allele CA412802185.